The following is an entry in ClinVar:

ClinVar aggregate classification (germline): Likely benign. Review status: criteria provided, multiple submitters, no conflicts (2 of 4 stars). 2 submissions from 2 submitters: Likely benign (2). Last evaluated 2025-09-08.

Conditions:
USH2A-related disorder. Also called: USH2A-related condition; USH2A-related disorders. Identifiers: MedGen CN239332.

Allele frequency attached by ClinVar (database versions not stated): gnomAD exomes below 0.00001 and 0.00001; ExAC 0.00001; gnomAD 0.00001; TOPMed 0.00001.
gnomAD v4.1: 16 of 1,612,236 alleles (0.00099%); highest among the groups gnomAD compares: African/African-American, 0.0027%; no homozygotes.

Submissions (2):

PreventionGenetics, part of Exact Sciences
Classification: Likely benign for USH2A-related condition. Last evaluated: 2025-09-08. Review status: criteria provided, single submitter. Criteria: ACMG Guidelines, 2015. Collection method: clinical testing. Allele origin: germline.
Comment: This variant is classified as likely benign based on ACMG/AMP sequence variant interpretation guidelines (Richards et al. 2015 PMID: 25741868, with internal and published modifications).

Labcorp Genetics (formerly Invitae), Labcorp
Classification: Likely benign. Last evaluated: 2022-11-02. Review status: criteria provided, single submitter. Criteria: Invitae Variant Classification Sherloc (09022015). Collection method: clinical testing. Allele origin: germline.

NM_206933.4(USH2A):c.849-5C>T

Gene: USH2A (usherin; minus strand). Cytogenetic location: 1q41.
Variant type: single nucleotide variant.
Coding change: c.849-5C>T on transcript NM_206933.4 (MANE Select); 5 bases into the intron before coding-DNA position 849, C replaced by T.
Molecular consequence: intron variant.
Genome position (GRCh38, 1-based): chr1:216,325,604, G>A on the plus strand (C>T on the coding strand, the complement: USH2A is on the minus strand). VCF-style: chr1-216325604-G-A. GRCh37 (hg19) VCF-style: chr1-216498946-G-A.
Other names: c.849-5C>T (NM_007123.6, NM_206933.2).
Identifiers: ClinVar variation 1137221 (VCV001137221.10), dbSNP rs761621773, ClinGen allele CA1396658.
Genomic context (GRCh38, chr1:216,325,604, plus strand): 5'-AATGTGATTGGGCATGCAATCTGAGAAGATCTCCAGAGAAGACTTCCAGAATCTCTCTGT[G>A]GGAGTCAAGAGGGAGACTGTAAGGACAAAGAGCTTAACAGTAATAGAACTTCTAGGAGTC-3'